The following is an entry in ClinVar:

ClinVar aggregate classification (germline): Pathogenic/Likely pathogenic. Review status: criteria provided, multiple submitters, no conflicts (2 of 4 stars). 5 submissions from 5 submitters: Pathogenic (3); Likely pathogenic (2). Last evaluated 2026-09-16.

Conditions:
Cardiomyopathy (CMYO). Also called: Cardiomyopathies. Identifiers: Orphanet 167848, MedGen C0878544, MONDO:0004994, HP:0001638. Inheritance: Various modes of inheritance.
Hypertrophic cardiomyopathy. Also called: HYPERTROPHIC MYOCARDIOPATHY. Identifiers: Orphanet 217569, MedGen C0007194, MeSH D002312, MONDO:0005045, HP:0001639.
Hypertrophic cardiomyopathy 4. Also called: Familial hypertrophic cardiomyopathy 4. Identifiers: MedGen C1861862, MONDO:0007268, OMIM 115197.

Submissions (5):

GeneDx
Classification: Likely pathogenic. Last evaluated: 2026-09-16. Review status: criteria provided, single submitter. Criteria: GeneDx Variant Classification Process June 2021. Collection method: clinical testing. Allele origin: germline.
Comment: Frameshift variant predicted to result in protein truncation or nonsense mediated decay in a gene for which loss-of-function is a known mechanism of disease; Not observed at significant frequency in large population cohorts (gnomAD); Reported in association with HCM in published literature (PMID: 25611685, 27532257); This variant is associated with the following publications: (PMID: 21415409, 25611685, 19574547, 37652022, 27532257)

Labcorp Genetics (formerly Invitae), Labcorp
Classification: Pathogenic for Hypertrophic cardiomyopathy. Last evaluated: 2024-07-13. Review status: criteria provided, single submitter. Criteria: Invitae Variant Classification Sherloc (09022015). Collection method: clinical testing. Allele origin: germline.
Comment: This sequence change creates a premature translational stop signal (p.Pro672Aspfs*20) in the MYBPC3 gene. It is expected to result in an absent or disrupted protein product. Loss-of-function variants in MYBPC3 are known to be pathogenic (PMID: 19574547). Information on the frequency of this variant in the gnomAD database is not available, as this variant may be reported differently in the database. This premature translational stop signal has been observed in individual(s) with hypertrophic cardiomyopathy (PMID: 25611685, 27532257). For these reasons, this variant has been classified as Pathogenic.

Women's Health and Genetics/Laboratory Corporation of America, LabCorp
Classification: Likely pathogenic for Cardiomyopathy. Last evaluated: 2021-05-10. Review status: criteria provided, single submitter. Criteria: LabCorp Variant Classification Summary - May 2015. Collection method: clinical testing. Allele origin: germline.
Comment: Variant summary: MYBPC3 c.2013_2016delinsGG (p.Pro672AspfsX20) results in a premature termination codon, predicted to cause a truncation of the encoded protein or absence of the protein due to nonsense mediated decay, which are commonly known mechanisms for disease. Truncations downstream of this position have been classified as pathogenic by our laboratory. The variant was absent in 248674 control chromosomes (gnomAD). c.2013_2016delinsGG has been reported in the literature in individual(s) affected with Cardiomyopathy (e.g. Alfares_2015, Walsh_2017). To our knowledge, no experimental evidence demonstrating an impact on protein function has been reported. Two ClinVar submitters (evaluation after 2014) cite the variant as pathogenic/likely pathogenic. Based on the evidence outlined above, the variant was classified as likely pathogenic.

Victorian Clinical Genetics Services, Murdoch Childrens Research Institute
Classification: Pathogenic for Hypertrophic cardiomyopathy 4. Last evaluated: 2021-05-06. Review status: criteria provided, single submitter. Criteria: ACMG Guidelines, 2015. Collection method: clinical testing. Allele origin: germline.
Comment: Based on the classification scheme VCGS_Germline_v1.3.4, this variant is classified as Pathogenic. Following criteria are met: 0102 - Loss of function is a known mechanism of disease in this gene and is associated with dilated cardiomyopathy 1MM (MIM#615396), hypertrophic cardiomyopathy 4 (MIM#115197) and left ventricular noncompaction 10 (MIM#615396) (OMIM). (I) 0108 - This gene is associated with both recessive and dominant disease. Heterozygous variants are frequently reported in adult onset conditions, however recessive inheritance results in a more severe early onset phenotype (OMIM). (I) 0201 - Variant is predicted to cause nonsense-mediated decay (NMD) and loss of protein (premature termination codon is located at least 54 nucleotides upstream of the final exon-exon junction). (SP) 0251 - This variant is heterozygous. (I) 0304 - Variant is present in gnomAD <0.01 for a recessive condition (1 heterozygote, 0 homozygotes). (SP) 0701 – Other NMD-predicted variants comparable to the one identified in this case have very strong previous evidence for pathogenicity. Many other NMD-predicted variants have previously been classified as pathogenic in ClinVar. (SP) 0802 - This variant has moderate previous evidence of pathogenicity in unrelated individuals. The variant has previously been reported as pathogenic or likely pathogenic in at least three individuals with hypertrophic cardiomyopathy (ClinVar, PMID: 27532257, PMID: 25611685). (SP) 1208 - Inheritance information for this variant is not currently available in this individual. (I) Legend: (SP) - Supporting pathogenic, (I) - Information, (SB) - Supporting benign

Laboratory for Molecular Medicine, Mass General Brigham Personalized Medicine
Classification: Pathogenic for Hypertrophic cardiomyopathy. Last evaluated: 2012-10-24. Review status: criteria provided, single submitter. Criteria: LMM Criteria. Collection method: clinical testing. Allele origin: germline. Inheritance: Autosomal dominant inheritance. Observed: 1 variant allele.
Comment: The Pro672fs variant in MYBPC3 has been reported in one individual with HCM by t he NHLBI CardioGenomics Program. In addition, th is frameshift variant is predicted to alter the protein?s amino acid sequence be ginning at position 672 and lead to a premature termination codon 20 amino acids downstream. This alteration is then predicted to lead to a truncated or absent protein. Heterozygous loss of function of the MYBPC3 gene is an established dise ase mechanism in HCM patients. In summary, this variant meets our criteria to be classified as pathogenic.

Literature cited by the submitters: PubMed 19574547 (cited by Labcorp Genetics (formerly Invitae), Labcorp); PubMed 25611685 (cited by 3 submitters); PubMed 27532257 (cited by 3 submitters).

NC_000011.10:g.47339702_47339705delinsCC

Gene: MYBPC3 (myosin binding protein C3; minus strand). Cytogenetic location: 11p11.2.
Variant type: Indel.
Molecular consequence: frameshift variant (on NM_000256.3).
Genome position: GRCh38 VCF-style: chr11-47339702-AGGG-CC. GRCh37 (hg19) VCF-style: chr11-47361253-AGGG-CC.
Other names: c.2013_2016delCCCTinsGG (NM_000256.3); c.2013_2016delinsGG, p.Pro672fs (NM_000256.3); short protein forms P672fs.
Identifiers: ClinVar variation 42592 (VCV000042592.14), dbSNP rs397515943, ClinGen allele CA011652.